The following is an entry in ClinVar:

ClinVar aggregate classification (germline): Uncertain significance. Review status: criteria provided, multiple submitters, no conflicts (2 of 4 stars). 2 submissions from 2 submitters: Uncertain significance (2). Last evaluated 2025-08-25.

Conditions:
Hereditary cancer-predisposing syndrome. Also called: Tumor predisposition; Neoplastic Syndromes, Hereditary; Hereditary neoplastic syndrome; Hereditary Cancer Syndrome. Identifiers: Orphanet 140162, MedGen C0027672, MeSH D009386, MONDO:0015356.

Allele frequency attached by ClinVar (database versions not stated): gnomAD 0.00001.
gnomAD v4.1: 1 of 1,612,906 alleles (0.000062%); highest among the groups gnomAD compares: African/African-American, 0.0013%; no homozygotes.

Submissions (2):

Labcorp Genetics (formerly Invitae), Labcorp
Classification: Uncertain significance. Last evaluated: 2025-08-25. Review status: criteria provided, single submitter. Criteria: Invitae Variant Classification Sherloc (09022015). Collection method: clinical testing. Allele origin: germline.
Comment: This sequence change replaces valine, which is neutral and non-polar, with alanine, which is neutral and non-polar, at codon 858 of the MSH3 protein (p.Val858Ala). This variant is not present in population databases (gnomAD no frequency). This variant has not been reported in the literature in individuals affected with MSH3-related conditions. ClinVar contains an entry for this variant (Variation ID: 1514669). An algorithm developed to predict the effect of missense changes on protein structure and function (PolyPhen-2) suggests that this variant is likely to be tolerated. In summary, the available evidence is currently insufficient to determine the role of this variant in disease. Therefore, it has been classified as a Variant of Uncertain Significance.

Ambry Genetics
Classification: Uncertain significance for Hereditary cancer-predisposing syndrome. Last evaluated: 2022-07-27. Review status: criteria provided, single submitter. Criteria: Ambry Variant Classification Scheme 2023. Collection method: clinical testing. Allele origin: germline.
Comment: The p.V858A variant (also known as c.2573T>C), located in coding exon 19 of the MSH3 gene, results from a T to C substitution at nucleotide position 2573. The valine at codon 858 is replaced by alanine, an amino acid with similar properties. This amino acid position is conserved. In addition, this alteration is predicted to be tolerated by in silico analysis. Since supporting evidence is limited at this time, the clinical significance of this alteration remains unclear.

NM_002439.5(MSH3):c.2573T>C (p.Val858Ala)

Gene: MSH3 (mutS homolog 3; plus strand). Cytogenetic location: 5q14.1.
Variant type: single nucleotide variant.
Coding change: c.2573T>C on transcript NM_002439.5 (MANE Select); coding-DNA position 2573, T replaced by C.
Protein change: p.Val858Ala; replaces valine 858 with alanine.
Molecular consequence: missense variant.
Genome position (GRCh38, 1-based): chr5:80,792,762, T>C. VCF-style: chr5-80792762-T-C. GRCh37 (hg19) VCF-style: chr5-80088581-T-C.
Other names: short protein forms V858A.
Identifiers: ClinVar variation 1514669 (VCV001514669.8), dbSNP rs1744630181, ClinGen allele CA360272889.